The following is an entry in ClinVar:

ClinVar aggregate classification (germline): Uncertain significance (1 of 4 stars; one submission).

Conditions:
Epidermolysis bullosa simplex with nail dystrophy (EBS5D). Identifiers: MedGen C4225309, MONDO:0014661, OMIM 616487.
Epidermolysis bullosa simplex, Ogna type (EBS5A). Also called: Pidermolysis bullosa simplex 5A, Ogna type; EPIDERMOLYSIS BULLOSA SIMPLEX 5A, OGNA TYPE. Identifiers: Orphanet 79401, MedGen C0432317, MONDO:0007555, OMIM 131950.
Autosomal recessive limb-girdle muscular dystrophy type 2Q (LGMDR17). Also called: MUSCULAR DYSTROPHY, LIMB-GIRDLE, AUTOSOMAL RECESSIVE 17. Identifiers: Orphanet 254361, MedGen C3150989, MONDO:0013390, OMIM 613723.
Epidermolysis bullosa simplex 5B, with muscular dystrophy (EBS5B). Also called: EPIDERMOLYSIS BULLOSA SIMPLEX AND LIMB-GIRDLE MUSCULAR DYSTROPHY; Epidermolysis bullosa simplex with muscular dystrophy. Identifiers: Orphanet 257, MedGen C2931072, MONDO:0009181, OMIM 226670.
Epidermolysis bullosa simplex 5C, with pyloric atresia (EBS5C). Also called: PLEC-Related Epidermolysis Bullosa with Pyloric Atresia; Epidermolysis bullosa simplex with pyloric atresia; PLEC1-Related Epidermolysis Bullosa with Pyloric Atresia. Identifiers: Orphanet 158684, MedGen C2677349, MONDO:0012807, OMIM 612138.

Allele frequency attached by ClinVar (database versions not stated): gnomAD exomes below 0.00001.
gnomAD v4.1: 2 of 1,608,192 alleles (0.00012%); highest among the groups gnomAD compares: Admixed American, 0.0017%; no homozygotes.

Submission:

Labcorp Genetics (formerly Invitae), Labcorp
Classification: Uncertain significance for Autosomal recessive limb-girdle muscular dystrophy type 2Q; Epidermolysis bullosa simplex, Ogna type; Epidermolysis bullosa simplex with nail dystrophy; Epidermolysis bullosa simplex 5C, with pyloric atresia; Epidermolysis bullosa simplex 5B, with muscular dystrophy. Last evaluated: 2024-10-16. Review status: criteria provided, single submitter. Criteria: Invitae Variant Classification Sherloc (09022015). Collection method: clinical testing. Allele origin: germline.
Comment: This sequence change replaces glutamine, which is neutral and polar, with lysine, which is basic and polar, at codon 3139 of the PLEC protein (p.Gln3139Lys). This variant is not present in population databases (gnomAD no frequency). This variant has not been reported in the literature in individuals affected with PLEC-related conditions. An algorithm developed to predict the effect of missense changes on protein structure and function outputs the following: PolyPhen-2: "Benign". The lysine amino acid residue is found in multiple mammalian species, which suggests that this missense change does not adversely affect protein function. In summary, the available evidence is currently insufficient to determine the role of this variant in disease. Therefore, it has been classified as a Variant of Uncertain Significance.

NM_201384.3(PLEC):c.9334C>A (p.Gln3112Lys)

Gene: PLEC (plectin; minus strand). Cytogenetic location: 8q24.3.
Variant type: single nucleotide variant.
Coding change: c.9334C>A on transcript NM_201384.3 (MANE Select); coding-DNA position 9334, C replaced by A.
Protein change: p.Gln3112Lys; replaces glutamine 3112 with lysine.
Molecular consequence: missense variant.
Genome position (GRCh38, 1-based): chr8:143,920,487, G>T on the plus strand (C>A on the coding strand, the complement: PLEC is on the minus strand). VCF-style: chr8-143920487-G-T. GRCh37 (hg19) VCF-style: chr8-144994655-G-T.
Other names: c.9415C>A, p.Gln3139Lys (NM_000445.5); c.6034C>A, p.Gln2012Lys (NM_001410941.1); c.9292C>A, p.Gln3098Lys (NM_201378.4); c.9268C>A, p.Gln3090Lys (NM_201379.3); c.9745C>A, p.Gln3249Lys (NM_201380.4); c.9238C>A, p.Gln3080Lys (NM_201381.3); c.9334C>A, p.Gln3112Lys (NM_201382.4); c.9346C>A, p.Gln3116Lys (NM_201383.3); short protein forms Q3080K, Q3139K, Q3090K, Q2012K, Q3116K, Q3098K, Q3112K, Q3249K.
Identifiers: ClinVar variation 2939906 (VCV002939906.3), dbSNP rs2537370091, ClinGen allele CA372510545.